The following is an entry in ClinVar:

ClinVar aggregate classification (germline): Pathogenic/Likely pathogenic. Review status: criteria provided, multiple submitters, no conflicts (2 of 4 stars). 6 submissions from 5 submitters: Pathogenic (3); Likely pathogenic (1). 2 of the submissions do not count toward it. Last evaluated 2025-07-29.

Conditions:
Inborn genetic diseases. Identifiers: MedGen C0950123, MeSH D030342.
Adams-Oliver syndrome (AOS). Identifiers: Orphanet 974, MedGen C0265268, MONDO:0007034.
Adams-Oliver syndrome 2 (AOS2). Identifiers: Orphanet 974, MedGen C3280182, MONDO:0013635, OMIM 614219.

Submissions (6):

Women's Health and Genetics/Laboratory Corporation of America, LabCorp
Classification: Pathogenic for Adams-Oliver syndrome 2. Last evaluated: 2025-07-29. Review status: criteria provided, single submitter. Criteria: LabCorp Variant Classification Summary - May 2015. Collection method: clinical testing. Allele origin: germline.
Comment: Variant summary: DOCK6 c.1362_1365delAACT (p.Thr455SerfsX24) results in a premature termination codon, predicted to cause a truncation of the encoded protein or absence of the protein due to nonsense mediated decay, which are commonly known mechanisms for disease. The variant allele was found at a frequency of 3.8e-05 in 239156 control chromosomes. c.1362_1365delAACT has been observed in the homozygous state in siblings affected with Adams-Oliver Syndrome 2 (example: Maddirevula_2018). These data indicate that the variant is associated with disease. To our knowledge, no experimental evidence demonstrating an impact on protein function has been reported. The following publication has been ascertained in the context of this evaluation (PMID: 29620724). ClinVar contains an entry for this variant (Variation ID: 183335). Based on the evidence outlined above, the variant was classified as pathogenic.

Ambry Genetics
Classification: Pathogenic for Inborn genetic diseases. Last evaluated: 2024-11-29. Review status: criteria provided, single submitter. Criteria: Ambry Variant Classification Scheme 2023. Collection method: clinical testing. Allele origin: germline.
Comment: The c.1362_1365delAACT (p.T455Sfs*24) alteration, located in exon 12 (coding exon 12) of the DOCK6 gene, consists of a deletion of 4 nucleotides from position 1362 to 1365, causing a translational frameshift with a predicted alternate stop codon after 24 amino acids. This alteration is expected to result in loss of function by premature protein truncation or nonsense-mediated mRNA decay. Based on data from gnomAD, this variant has an overall frequency of 0.005% (13/270528) total alleles studied. The highest observed frequency was 0.022% (5/23052) of African/African American alleles. This variant has been identified in conjunction with other DOCK6 variants in individuals with features consistent with Adams-Oliver syndrome (Shaheen, 2011). Based on the available evidence, this alteration is classified as pathogenic.

Genomic Medicine Center of Excellence, King Faisal Specialist Hospital and Research Centre
Classification: Likely pathogenic for Adams-Oliver syndrome 2. Last evaluated: 2024-04-04. Review status: criteria provided, single submitter. Criteria: ACMG Guidelines, 2015. Collection method: clinical testing. Allele origin: germline.

Juno Genomics, Hangzhou Juno Genomics, Inc
Classification: Pathogenic for Adams-Oliver syndrome 2. Review status: criteria provided, single submitter. Criteria: ACMG Guidelines, 2015. Collection method: clinical testing. Allele origin: germline.
Comment: Absent from controls (or at extremely low frequency if recessive) in Genome Aggregation Database.;Null variant in a gene where loss of function (LOF) is a known mechanism of disease.;For recessive disorders, detected in trans with a pathogenic variant.;Patient's phenotype or family history is highly specific for a disease with a single genetic etiology.

Genomic Medicine Center of Excellence, King Faisal Specialist Hospital and Research Centre
Classification: Likely pathogenic for Adams-Oliver syndrome. Last evaluated: 2014-12-01. Review status: no assertion criteria provided. Criteria: research. Collection method: research. Allele origin: germline. Affected: yes. Not counted in ClinVar's aggregate classification.

OMIM
Classification: Pathogenic for ADAMS-OLIVER SYNDROME 2. Last evaluated: 2011-08-12. Review status: no assertion criteria provided. Collection method: literature only. Allele origin: germline. Not counted in ClinVar's aggregate classification.

Literature cited by the submitters: PubMed 29620724 (cited by Women's Health and Genetics/Laboratory Corporation of America, LabCorp); PubMed 21820096 (cited by Ambry Genetics and OMIM); PubMed 25558065 (cited by Genomic Medicine Center of Excellence, King Faisal Specialist Hospital and Research Centre).

NM_020812.4(DOCK6):c.1362_1365del (p.Thr455fs)

Gene: DOCK6 (dedicator of cytokinesis 6; minus strand). Cytogenetic location: 19p13.2.
Variant type: Deletion.
Coding change: c.1362_1365del on transcript NM_020812.4 (MANE Select); coding-DNA positions 1362 to 1365, 4 bases deleted (AACT; older notation c.1362_1365delAACT).
Protein change: p.Thr455fs; shifts the reading frame from threonine 455.
Molecular consequence: frameshift variant.
Genome position (GRCh38, 1-based): chr19:11,243,279-11,243,282, AGTT deleted on the plus strand (AACT on the coding strand, the reverse complement: DOCK6 is on the minus strand); deleting any 4 consecutive bases within chr19:11,243,279-11,243,284 gives the same sequence; the c. name uses the placement nearest the transcript's 3' end. VCF-style (leftmost placement, unchanged base first): chr19-11243278-CAGTT-C. GRCh37 (hg19) VCF-style: chr19-11353954-CAGTT-C.
Other names: c.1362_1365del, p.Thr455fs (NM_001367830.1); c.1362_1365delAACT (NM_020812.4); short protein forms T455fs.
Identifiers: ClinVar variation 183335 (VCV000183335.8), dbSNP rs730882238, ClinGen allele CA186072.